The following is an entry in ClinVar:

ClinVar aggregate classification (germline): Uncertain significance (1 of 4 stars; one submission).

Submission:

GeneDx
Classification: Uncertain significance. Last evaluated: 2024-07-08. Review status: criteria provided, single submitter. Criteria: GeneDx Variant Classification Process June 2021. Collection method: clinical testing. Allele origin: germline. Affected: yes.
Comment: Not observed at significant frequency in large population cohorts (gnomAD); In silico analysis supports that this missense variant has a deleterious effect on protein structure/function; Has not been previously published as pathogenic or benign to our knowledge; This variant is associated with the following publications: (PMID: 23334294)

NM_015915.5(ATL1):c.273G>A (p.Met91Ile)

Gene: ATL1 (atlastin GTPase 1; plus strand). Cytogenetic location: 14q22.1.
Variant type: single nucleotide variant.
Coding change: c.273G>A on transcript NM_015915.5 (MANE Select); coding-DNA position 273, G replaced by A.
Protein change: p.Met91Ile; replaces methionine 91 with isoleucine.
Molecular consequence: missense variant.
Genome position (GRCh38, 1-based): chr14:50,588,069, G>A. VCF-style: chr14-50588069-G-A. GRCh37 (hg19) VCF-style: chr14-51054787-G-A.
Other names: c.273G>A, p.Met91Ile (NM_001127713.1, NM_181598.4); short protein forms M91I.
Identifiers: ClinVar variation 3572663 (VCV003572663.1).